The following is an entry in ClinVar:

ClinVar aggregate classification (germline): Uncertain significance (1 of 4 stars; one submission).

Conditions:
Ullrich congenital muscular dystrophy 2 (UCMD2). Identifiers: Orphanet 75840, MedGen C4225314, MONDO:0014654, OMIM 616470.
Bethlem myopathy 2 (BTHLM2). Identifiers: Orphanet 536516, Orphanet 610, MedGen C4225313, MONDO:0034022, OMIM 616471.

Allele frequency attached by ClinVar (database versions not stated): TOPMed 0.00001.
gnomAD v4.1: 8 of 1,613,880 alleles (0.0005%); highest among the groups gnomAD compares: Non-Finnish European, 0.00068%; no homozygotes.

Submission:

Labcorp Genetics (formerly Invitae), Labcorp
Classification: Uncertain significance for Bethlem myopathy 2; Ullrich congenital muscular dystrophy 2. Last evaluated: 2025-08-26. Review status: criteria provided, single submitter. Criteria: Invitae Variant Classification Sherloc (09022015). Collection method: clinical testing. Allele origin: germline.
Comment: This sequence change replaces arginine, which is basic and polar, with glycine, which is neutral and non-polar, at codon 1872 of the COL12A1 protein (p.Arg1872Gly). This variant is present in population databases (no rsID available, gnomAD 0.007%). This variant has not been reported in the literature in individuals affected with COL12A1-related conditions. ClinVar contains an entry for this variant (Variation ID: 1035518). Invitae Evidence Modeling of protein sequence and biophysical properties (such as structural, functional, and spatial information, amino acid conservation, physicochemical variation, residue mobility, and thermodynamic stability) has been performed for this missense variant. However, the output from this modeling did not meet the statistical confidence thresholds required to predict the impact of this variant on COL12A1 protein function. In summary, the available evidence is currently insufficient to determine the role of this variant in disease. Therefore, it has been classified as a Variant of Uncertain Significance.

NM_004370.6(COL12A1):c.5614C>G (p.Arg1872Gly)

Gene: COL12A1 (collagen type XII alpha 1 chain; minus strand). Cytogenetic location: 6q13.
Variant type: single nucleotide variant.
Coding change: c.5614C>G on transcript NM_004370.6 (MANE Select); coding-DNA position 5614, C replaced by G.
Protein change: p.Arg1872Gly; replaces arginine 1872 with glycine.
Molecular consequence: missense variant.
Genome position (GRCh38, 1-based): chr6:75,133,908, G>C on the plus strand (C>G on the coding strand, the complement: COL12A1 is on the minus strand). VCF-style: chr6-75133908-G-C. GRCh37 (hg19) VCF-style: chr6-75843624-G-C.
Other names: c.2122C>G, p.Arg708Gly (NM_080645.3); short protein forms R1872G, R708G.
Identifiers: ClinVar variation 1035518 (VCV001035518.9), dbSNP rs773807635, ClinGen allele CA364734995.